The following is an entry in ClinVar:

NM_006949.4(STXBP2):c.1172C>A (p.Pro391Gln)

Gene: STXBP2 (syntaxin binding protein 2; plus strand). Cytogenetic location: 19p13.2.
Variant type: single nucleotide variant.
Coding change: c.1172C>A on transcript NM_006949.4 (MANE Select); coding-DNA position 1172, C replaced by A.
Protein change: p.Pro391Gln; replaces proline 391 with glutamine.
Molecular consequence: missense variant. On other transcripts: non-coding transcript variant (1).
Genome position (GRCh38, 1-based): chr19:7,644,678, C>A. VCF-style: chr19-7644678-C-A. GRCh37 (hg19) VCF-style: chr19-7709564-C-A.
Other names: c.1163C>A, p.Pro388Gln (NM_001127396.3); c.1205C>A, p.Pro402Gln (NM_001272034.2); short protein forms P391Q, P402Q, P388Q.
Identifiers: ClinVar variation 1413527 (VCV001413527.7), dbSNP rs539611010, ClinGen allele CA403161123.
Genomic context (GRCh38, chr19:7,644,678, plus strand): 5'-TGGCCATGGGCTCCGACGCAGAGGGGGAGAAGATCAAGGACTCCATGAAGCTGATCGTTC[C>A]GGTGCTGCTGGACGCGGCGGTGCCCGCCTACGACAAGATCCGGGTCCTGCTGCTCTACAT-3'
Protein context (NP_008880.2, residues 381-401): KIKDSMKLIV[Pro391Gln]VLLDAAVPAY

ClinVar aggregate classification (germline): Uncertain significance (1 of 4 stars; one submission).

Conditions:
Familial hemophagocytic lymphohistiocytosis 5. Also called: STXBP2-Related Familial Hemophagocytic Lymphohistiocytosis (STXBP2-fHLH). Identifiers: Orphanet 540, MedGen C2751293, MONDO:0013135, OMIM 613101.

gnomAD v4.1: 4 of 1,613,742 alleles (0.00025%); highest among the groups gnomAD compares: East Asian, 0.0045%; no homozygotes.

Submission:

Labcorp Genetics (formerly Invitae), Labcorp
Classification: Uncertain significance for Familial hemophagocytic lymphohistiocytosis 5. Last evaluated: 2024-10-21. Review status: criteria provided, single submitter. Criteria: Invitae Variant Classification Sherloc (09022015). Collection method: clinical testing. Allele origin: germline.
Comment: This sequence change replaces proline, which is neutral and non-polar, with glutamine, which is neutral and polar, at codon 391 of the STXBP2 protein (p.Pro391Gln). This variant is not present in population databases (gnomAD no frequency). This variant has not been reported in the literature in individuals affected with STXBP2-related conditions. ClinVar contains an entry for this variant (Variation ID: 1413527). Invitae Evidence Modeling of protein sequence and biophysical properties (such as structural, functional, and spatial information, amino acid conservation, physicochemical variation, residue mobility, and thermodynamic stability) has been performed for this missense variant. However, the output from this modeling did not meet the statistical confidence thresholds required to predict the impact of this variant on STXBP2 protein function. In summary, the available evidence is currently insufficient to determine the role of this variant in disease. Therefore, it has been classified as a Variant of Uncertain Significance.